The following is an entry in ClinVar:

ClinVar aggregate classification (germline): Uncertain significance (1 of 4 stars; one submission).

Conditions:
Inborn genetic diseases. Identifiers: MedGen C0950123, MeSH D030342.

gnomAD v4.1: 12 of 1,613,192 alleles (0.00074%); highest among the groups gnomAD compares: African/African-American, 0.016%; no homozygotes.

Submission:

Ambry Genetics
Classification: Uncertain significance for Inborn genetic diseases. Last evaluated: 2025-11-08. Review status: criteria provided, single submitter. Criteria: Ambry Variant Classification Scheme 2023. Collection method: clinical testing. Allele origin: germline.
Comment: The c.1772C>T (p.S591F) alteration is located in exon 19 (coding exon 19) of the ATP2C1 gene. This alteration results from a C to T substitution at nucleotide position 1772, causing the serine (S) at amino acid position 591 to be replaced by a phenylalanine (F). Based on data from gnomAD, the T allele has an overall frequency of 0.001% (3/282266) total alleles studied. The highest observed frequency was 0.012% (3/24958) of African alleles. Based on insufficient or conflicting evidence, the clinical significance of this alteration remains unclear.

NM_001378687.1(ATP2C1):c.1772C>T (p.Ser591Phe)

Gene: ATP2C1 (ATPase secretory pathway Ca2+ transporting 1; plus strand). Cytogenetic location: 3q22.1.
Variant type: single nucleotide variant.
Coding change: c.1772C>T on transcript NM_001378687.1 (MANE Select); coding-DNA position 1772, C replaced by T.
Protein change: p.Ser591Phe; replaces serine 591 with phenylalanine.
Molecular consequence: missense variant.
Genome position (GRCh38, 1-based): chr3:130,980,612, C>T. VCF-style: chr3-130980612-C-T. GRCh37 (hg19) VCF-style: chr3-130699456-C-T.
Other names: c.1772C>T, p.Ser591Phe (NM_001001485.3, NM_001001486.2, NM_001001487.2 and 5 more transcripts); c.1874C>T, p.Ser625Phe (NM_001199180.2, NM_001199181.3, NM_001378511.1); c.1757C>T, p.Ser586Phe (NM_001199182.2); c.1724C>T, p.Ser575Phe (NM_001199183.2, NM_001199184.3, NM_001378514.1); short protein forms S575F, S625F, S586F, S591F.
Identifiers: ClinVar variation 4591231 (VCV004591231.1).